The following is an entry in ClinVar:

NM_000062.3(SERPING1):c.686-1565G>A

Gene: SERPING1 (serpin family G member 1; plus strand). Cytogenetic location: 11q12.1.
Variant type: single nucleotide variant.
Coding change: c.686-1565G>A on transcript NM_000062.3 (MANE Select); 1565 bases into the intron before coding-DNA position 686, G replaced by A.
Molecular consequence: intron variant.
Genome position (GRCh38, 1-based): chr11:57,604,445, G>A. VCF-style: chr11-57604445-G-A. GRCh37 (hg19) VCF-style: chr11-57371918-G-A.
Other names: c.686-1565G>A (NM_001032295.2).
Identifiers: ClinVar variation 983247 (VCV000983247.2), dbSNP rs28362950, ClinGen allele CA13383185.

ClinVar aggregate classification (germline): Benign (1 of 4 stars; one submission).

Conditions:
Hereditary angioedema type 1 (HAE1). Identifiers: Orphanet 100050, Orphanet 100051, Orphanet 91378, MedGen C2717906, MONDO:0015053, OMIM 106100.

Allele frequency attached by ClinVar (database versions not stated): 1000 Genomes Project 0.15016; 1000 Genomes Project 30x 0.15287; TOPMed 0.19844; gnomAD 0.21046 and 0.21220.
gnomAD v4.1: 32,019 of 151,768 alleles (21%); highest among the groups gnomAD compares: Non-Finnish European, 27%; 3,737 homozygotes.

Submission:

CeMIA
Classification: Benign for Hereditary angioedema type 1. Review status: criteria provided, single submitter. Criteria: ACMG Guidelines, 2015. Collection method: clinical testing. Allele origin: germline. Affected: yes.
Comment: This variant is considered likely benign or benign based on one or more of the following criteria: allele frequency is >5% in Exome Sequencing Project, 1000 Genomes Project, or Exome Aggregation Consortium (BA1), allele frequency is greater than expected for disorder (BS1), it is observed in a healthy adult individual (BS2), it is predicted to be benign by multiple in silico algorithms (BP4), it is found in a case with an alternate molecular basis for the disease (BP5) and/or reputable source recently reports variant as benign (BP6).

Literature cited by the submitters: PubMed 31959500.